The following is an entry in ClinVar:

ClinVar aggregate classification (germline): Uncertain significance (1 of 4 stars; one submission).

Conditions:
Harel-Yoon syndrome (HAYOS). Also called: Optic atrophy-peripheral neuropathy-developmental delay syndrome. Identifiers: Orphanet 496790, MedGen C4310677, MONDO:0014958, OMIM 617183.

Allele frequency attached by ClinVar (database versions not stated): gnomAD exomes below 0.00001; TOPMed below 0.00001; ESP Exome Variant Server 0.00008.
gnomAD v4.1: 2 of 1,614,044 alleles (0.00012%); highest among the groups gnomAD compares: East Asian, 0.0022%; no homozygotes.

Submission:

Dubai Health Genomic Medicine Center, Dubai Health
Classification: Uncertain significance for Harel-Yoon syndrome. Last evaluated: 2020-01-24. Review status: criteria provided, single submitter. Criteria: ACMG Guidelines, 2015. Collection method: clinical testing. Allele origin: germline. Affected: yes.
Comment: The p.Leu397Val missense variant in ATAD3A gene has not been previously reported in individuals with disease but has been identified in 1/18390 East Asian alleles in the Genome Aggregation Database (gnomAD). Conservation analysis and computational prediction tools suggest an impact to protein function though this information is not predictive enough to confirm pathogenicity. In summary more information is needed to determine the clinical significance of this variant. The ATAD3A gene has been associated with Harel-Yoon syndrome a neurodevelopmental disorder characterized by delayed psychomotor development intellectual disability truncal hypotonia spasticity and peripheral neuropathy. The inheritance pattern has been reported to be either autosomal dominant or recessive (OMIM# 617183).

NM_001170535.3(ATAD3A):c.1045C>G (p.Leu349Val)

Gene: ATAD3A (ATPase family AAA domain containing 3A; plus strand). Cytogenetic location: 1p36.33.
Variant type: single nucleotide variant.
Coding change: c.1045C>G on transcript NM_001170535.3 (MANE Select); coding-DNA position 1045, C replaced by G.
Protein change: p.Leu349Val; replaces leucine 349 with valine.
Molecular consequence: missense variant.
Genome position (GRCh38, 1-based): chr1:1,523,920, C>G. VCF-style: chr1-1523920-C-G. GRCh37 (hg19) VCF-style: chr1-1459300-C-G.
Other names: c.808C>G, p.Leu270Val (NM_001170536.3); c.1189C>G, p.Leu397Val (NM_018188.5); short protein forms L270V, L349V, L397V.
Identifiers: ClinVar variation 1301749 (VCV001301749.2), dbSNP rs372111873, ClinGen allele CA16788253.